The following is an entry in ClinVar:

NM_003500.4(ACOX2):c.710T>C (p.Ile237Thr)

Gene: ACOX2 (acyl-CoA oxidase 2; minus strand). Cytogenetic location: 3p14.3.
Variant type: single nucleotide variant.
Coding change: c.710T>C on transcript NM_003500.4 (MANE Select); coding-DNA position 710, T replaced by C.
Protein change: p.Ile237Thr; replaces isoleucine 237 with threonine.
Molecular consequence: missense variant.
Genome position (GRCh38, 1-based): chr3:58,531,360, A>G on the plus strand (T>C on the coding strand, the complement: ACOX2 is on the minus strand). VCF-style: chr3-58531360-A-G. GRCh37 (hg19) VCF-style: chr3-58517087-A-G.
Other names: short protein forms I237T.
Identifiers: ClinVar variation 2783649 (VCV002783649.3), dbSNP rs1226179961, ClinGen allele CA353371763.

ClinVar aggregate classification (germline): Uncertain significance (1 of 4 stars; one submission).

Submission:

Labcorp Genetics (formerly Invitae), Labcorp
Classification: Uncertain significance. Last evaluated: 2025-07-14. Review status: criteria provided, single submitter. Criteria: Invitae Variant Classification Sherloc (09022015). Collection method: clinical testing. Allele origin: germline.
Comment: This sequence change replaces isoleucine, which is neutral and non-polar, with threonine, which is neutral and polar, at codon 237 of the ACOX2 protein (p.Ile237Thr). This variant is not present in population databases (gnomAD no frequency). This variant has not been reported in the literature in individuals affected with ACOX2-related conditions. ClinVar contains an entry for this variant (Variation ID: 2783649). Invitae Evidence Modeling of protein sequence and biophysical properties (such as structural, functional, and spatial information, amino acid conservation, physicochemical variation, residue mobility, and thermodynamic stability) indicates that this missense variant is not expected to disrupt ACOX2 protein function with a negative predictive value of 80%. In summary, the available evidence is currently insufficient to determine the role of this variant in disease. Therefore, it has been classified as a Variant of Uncertain Significance.